The following is an entry in ClinVar:

NM_000051.4(ATM):c.2343G>A (p.Gln781=)

Gene: ATM (ATM serine/threonine kinase; plus strand). Cytogenetic location: 11q22.3.
Variant type: single nucleotide variant.
Coding change: c.2343G>A on transcript NM_000051.4 (MANE Select); coding-DNA position 2343, G replaced by A.
Protein change: p.Gln781=; no amino-acid change (glutamine 781 retained).
Molecular consequence: synonymous variant.
Genome position (GRCh38, 1-based): chr11:108,257,573, G>A. VCF-style: chr11-108257573-G-A. GRCh37 (hg19) VCF-style: chr11-108128300-G-A.
Other names: c.2343G>A, p.Gln781= (NM_001351834.2).
Identifiers: ClinVar variation 1588418 (VCV001588418.12), dbSNP rs2135407606, ClinGen allele CA476672741.
Genomic context (GRCh38, chr11:108,257,573, plus strand): 5'-TCTGTTTAAAAATAAGACAAATGAGGAATTCAGAATTGGTTCCTTGAGAAATATGATGCA[G>A]CTATGTACACGTTGCTTGAGCAACTGTACCAAGGTAAGATTTTCTTCTTCTTGTTTTGTT-3'
Protein context (NP_000042.3, residues 771-791): FRIGSLRNMM[Gln781=]LCTRCLSNCT

ClinVar aggregate classification (germline): Benign/Likely benign. Review status: criteria provided, multiple submitters, no conflicts (2 of 4 stars). 4 submissions from 4 submitters: Benign (1); Likely benign (3). Last evaluated 2024-05-08.

Conditions:
Familial cancer of breast. Also called: Hereditary breast cancer; BREAST CANCER, FAMILIAL; hereditary breast carcinoma. Identifiers: Orphanet 227535, MedGen C0346153, MONDO:0016419, OMIM 114480. Disease mechanism: loss of function.
Hereditary cancer-predisposing syndrome. Also called: Hereditary Cancer Syndrome; Tumor predisposition; Neoplastic Syndromes, Hereditary; Hereditary neoplastic syndrome. Identifiers: Orphanet 140162, MedGen C0027672, MeSH D009386, MONDO:0015356.
Ataxia-telangiectasia syndrome (AT). Also called: Ataxia telangiectasia (A-T); Cerebello-oculocutaneous telangiectasia; Immunodeficiency with ataxia telangiectasia; AT, COMPLEMENTATION GROUP C; LOUIS-BAR SYNDROME; Ataxia-telangiectasia, complementation group E. Identifiers: Orphanet 100, MedGen C0004135, MONDO:0008840, OMIM 208900.

Allele frequency attached by ClinVar (database versions not stated): gnomAD exomes below 0.00001.
gnomAD v4.1: 2 of 1,613,968 alleles (0.00012%); highest among the groups gnomAD compares: South Asian, 0.0022%; no homozygotes.

Submissions (4):

Myriad Genetics, Inc.
Classification: Benign for Familial cancer of breast. Last evaluated: 2024-05-08. Review status: criteria provided, single submitter. Criteria: Myriad Autosomal Dominant, Autosomal Recessive and X-Linked Classification Criteria (2023). Collection method: clinical testing. Allele origin: unknown.
Comment: This variant is considered benign. This variant is a silent/synonymous amino acid change and it is not expected to impact splicing.

Color Diagnostics, LLC DBA Color Health
Classification: Likely benign for Hereditary cancer-predisposing syndrome. Last evaluated: 2024-02-04. Review status: criteria provided, single submitter. Criteria: ACMG Guidelines, 2015. Collection method: clinical testing. Allele origin: germline.

Labcorp Genetics (formerly Invitae), Labcorp
Classification: Likely benign for Ataxia-telangiectasia syndrome. Last evaluated: 2021-10-21. Review status: criteria provided, single submitter. Criteria: Invitae Variant Classification Sherloc (09022015). Collection method: clinical testing. Allele origin: germline.

Ambry Genetics
Classification: Likely benign for Hereditary cancer-predisposing syndrome. Last evaluated: 2020-07-09. Review status: criteria provided, single submitter. Criteria: Ambry Variant Classification Scheme 2023. Collection method: clinical testing. Allele origin: germline.